The following is an entry in ClinVar:

ClinVar aggregate classification (germline): Conflicting classifications of pathogenicity. Review status: criteria provided, conflicting classifications (1 of 4 stars). 2 submissions from 2 submitters: Uncertain significance (1); Likely benign (1). Last evaluated 2024-07-03.

Conditions:
Cutis laxa, autosomal dominant 3 (ADCL3). Identifiers: Orphanet 90348, MedGen C4225268, MONDO:0014706, OMIM 616603.
de Barsy syndrome. Also called: Cutis laxa-corneal clouding-oligophrenia syndrome. Identifiers: Orphanet 2962, MedGen C0268354, MONDO:0017569.
Autosomal dominant spastic paraplegia type 9. Identifiers: MedGen C1832669, MONDO:0015091.

Allele frequency attached by ClinVar (database versions not stated): gnomAD exomes below 0.00001.
gnomAD v4.1: 3 of 1,613,552 alleles (0.00019%); highest among the groups gnomAD compares: Non-Finnish European, 0.00025%; no homozygotes.

Submissions (2):

Labcorp Genetics (formerly Invitae), Labcorp
Classification: Likely benign for Autosomal dominant spastic paraplegia type 9; de Barsy syndrome; Cutis laxa, autosomal dominant 3. Last evaluated: 2024-07-03. Review status: criteria provided, single submitter. Criteria: Invitae Variant Classification Sherloc (09022015). Collection method: clinical testing. Allele origin: germline.

Centre for Mendelian Genomics, University Medical Centre Ljubljana
Classification: Uncertain significance for Cutis laxa, autosomal dominant 3. Last evaluated: 2019-05-10. Review status: criteria provided, single submitter. Criteria: ACMG Guidelines, 2015. Collection method: clinical testing. Allele origin: unknown. Affected: yes.
Comment: This variant was classified as: Uncertain significance. The available evidence on this variant's pathogenicity is insufficient or conflicting. The following ACMG criteria were applied in classifying this variant: PM2,BP4.

NM_002860.4(ALDH18A1):c.89-6C>G

Gene: ALDH18A1 (aldehyde dehydrogenase 18 family member A1; minus strand). Cytogenetic location: 10q24.1.
Variant type: single nucleotide variant.
Coding change: c.89-6C>G on transcript NM_002860.4 (MANE Select); 6 bases into the intron before coding-DNA position 89, C replaced by G.
Molecular consequence: intron variant.
Genome position (GRCh38, 1-based): chr10:95,643,212, G>C on the plus strand (C>G on the coding strand, the complement: ALDH18A1 is on the minus strand). VCF-style: chr10-95643212-G-C. GRCh37 (hg19) VCF-style: chr10-97402969-G-C.
Other names: c.-30-5776C>G (NM_001323412.2, NM_001323418.2, NM_001323416.2); c.89-6C>G (NM_001323417.2, NM_001017423.2, NM_001323415.2 and 2 more transcripts); c.-78-9563C>G (NM_001323419.2).
Identifiers: ClinVar variation 930400 (VCV000930400.12), dbSNP rs2097895286, ClinGen allele CA1139661635.